The following is an entry in ClinVar:

NM_015559.3(SETBP1):c.4136C>G (p.Ser1379Cys)

Gene: SETBP1 (SET binding protein 1; plus strand). Cytogenetic location: 18q12.3.
Variant type: single nucleotide variant.
Coding change: c.4136C>G on transcript NM_015559.3 (MANE Select); coding-DNA position 4136, C replaced by G.
Protein change: p.Ser1379Cys; replaces serine 1379 with cysteine.
Molecular consequence: missense variant. On other transcripts: intron variant (1).
Genome position (GRCh38, 1-based): chr18:45,038,620, C>G. VCF-style: chr18-45038620-C-G. GRCh37 (hg19) VCF-style: chr18-42618585-C-G.
Other names: c.4136C>G, p.Ser1379Cys (NM_001379141.1, NM_001379142.1); c.4001-24459C>G (NM_001410862.1); short protein forms S1379C.
Identifiers: ClinVar variation 4705568 (VCV004705568.1).
Genomic context (GRCh38, chr18:45,038,620, plus strand): 5'-TGACCAGGAAGAAGCCAGCCGCAGTTGACAGTGTTACAATTCCACCAGCCCCAGTGTTAT[C>G]TCTCCTTGCTGCATCTGCAGCAACGTCGGATGCAGGTGAGCACTTTTCAGATGCTTTGGG-3'
Protein context (NP_056374.2, residues 1369-1389): SVTIPPAPVL[Ser1379Cys]LLAASAATSD

ClinVar aggregate classification (germline): Uncertain significance (1 of 4 stars; one submission).

Submission:

Labcorp Genetics (formerly Invitae), Labcorp
Classification: Uncertain significance. Last evaluated: 2025-12-13. Review status: criteria provided, single submitter. Criteria: Invitae Variant Classification Sherloc (09022015). Collection method: clinical testing. Allele origin: germline.
Comment: This sequence change replaces serine, which is neutral and polar, with cysteine, which is neutral and slightly polar, at codon 1379 of the SETBP1 protein (p.Ser1379Cys). This variant is not present in population databases (gnomAD no frequency). This variant has not been reported in the literature in individuals affected with SETBP1-related conditions. Invitae Evidence Modeling of protein sequence and biophysical properties (such as structural, functional, and spatial information, amino acid conservation, physicochemical variation, residue mobility, and thermodynamic stability) has been performed for this missense variant. However, the output from this modeling did not meet the statistical confidence thresholds required to predict the impact of this variant on SETBP1 protein function. In summary, the available evidence is currently insufficient to determine the role of this variant in disease. Therefore, it has been classified as a Variant of Uncertain Significance.